The following is an entry in ClinVar:

NM_001379270.1(CNGA1):c.1095C>T (p.Pro365=)

Genes: CNGA1 (cyclic nucleotide gated channel subunit alpha 1; minus strand), LOC101927157 (uncharacterized LOC101927157; plus strand). Cytogenetic location: 4p12.
Variant type: single nucleotide variant.
Coding change: c.1095C>T on transcript NM_001379270.1 (MANE Select); coding-DNA position 1095, C replaced by T.
Protein change: p.Pro365=; no amino-acid change (proline 365 retained).
Molecular consequence: synonymous variant.
Genome position (GRCh38, 1-based): chr4:47,937,387, G>A on the plus strand (C>T on the coding strand, the complement: CNGA1 is on the minus strand). VCF-style: chr4-47937387-G-A. GRCh37 (hg19) VCF-style: chr4-47939404-G-A.
Other names: c.1095C>T, p.Pro365= (NM_000087.5, NM_001142564.2).
Identifiers: ClinVar variation 738053 (VCV000738053.10), dbSNP rs569092237, ClinGen allele CA2911132.

ClinVar aggregate classification (germline): Likely benign. Review status: criteria provided, multiple submitters, no conflicts (2 of 4 stars). 3 submissions from 3 submitters: Likely benign (3). Last evaluated 2026-06-08.

Conditions:
CNGA1-related disorder. Also called: CNGA1-related condition.

Allele frequency attached by ClinVar (database versions not stated): TOPMed 0.00004.
gnomAD v4.1: 67 of 1,614,042 alleles (0.0042%); highest among the groups gnomAD compares: Middle Eastern, 0.033%; no homozygotes.

Submissions (3):

PreventionGenetics, part of Exact Sciences
Classification: Likely benign for CNGA1-related condition. Last evaluated: 2026-06-08. Review status: criteria provided, single submitter. Criteria: ACMG Guidelines, 2015. Collection method: clinical testing. Allele origin: germline.
Comment: This variant is classified as likely benign based on ACMG/AMP sequence variant interpretation guidelines (Richards et al. 2015 PMID: 25741868, with internal and published modifications).

Labcorp Genetics (formerly Invitae), Labcorp
Classification: Likely benign. Last evaluated: 2025-12-14. Review status: criteria provided, single submitter. Criteria: Invitae Variant Classification Sherloc (09022015). Collection method: clinical testing. Allele origin: germline.

Blueprint Genetics
Classification: Likely benign. Last evaluated: 2024-02-28. Review status: criteria provided, single submitter. Criteria: ACMG Guidelines, 2015. Collection method: clinical testing. Allele origin: germline.